The following is an entry in ClinVar:

NM_004655.4(AXIN2):c.384A>C (p.Leu128Phe)

Gene: AXIN2 (axin 2; minus strand). Cytogenetic location: 17q24.1.
Variant type: single nucleotide variant.
Coding change: c.384A>C on transcript NM_004655.4 (MANE Select); coding-DNA position 384, A replaced by C.
Protein change: p.Leu128Phe; replaces leucine 128 with phenylalanine.
Molecular consequence: missense variant.
Genome position (GRCh38, 1-based): chr17:65,558,237, T>G on the plus strand (A>C on the coding strand, the complement: AXIN2 is on the minus strand). VCF-style: chr17-65558237-T-G. GRCh37 (hg19) VCF-style: chr17-63554355-T-G.
Other names: c.384A>C, p.Leu128Phe (NM_001363813.1); short protein forms L128F.
Identifiers: ClinVar variation 4809884 (VCV004809884.1).

ClinVar aggregate classification (germline): Uncertain significance (1 of 4 stars; one submission).

Conditions:
Oligodontia-cancer predisposition syndrome. Also called: TOOTH AGENESIS-COLORECTAL CANCER SYNDROME. Identifiers: Orphanet 300576, MedGen C1837750, MONDO:0012075, OMIM 608615. Disease mechanism: loss of function.

Submission:

Labcorp Genetics (formerly Invitae), Labcorp
Classification: Uncertain significance for Oligodontia-cancer predisposition syndrome. Last evaluated: 2025-02-03. Review status: criteria provided, single submitter. Criteria: Invitae Variant Classification Sherloc (09022015). Collection method: clinical testing. Allele origin: germline.
Comment: This sequence change replaces leucine, which is neutral and non-polar, with phenylalanine, which is neutral and non-polar, at codon 128 of the AXIN2 protein (p.Leu128Phe). This variant is not present in population databases (gnomAD no frequency). This variant has not been reported in the literature in individuals affected with AXIN2-related conditions. Invitae Evidence Modeling of protein sequence and biophysical properties (such as structural, functional, and spatial information, amino acid conservation, physicochemical variation, residue mobility, and thermodynamic stability) indicates that this missense variant is not expected to disrupt AXIN2 protein function with a negative predictive value of 80%. In summary, the available evidence is currently insufficient to determine the role of this variant in disease. Therefore, it has been classified as a Variant of Uncertain Significance.